The following is an entry in ClinVar:

ClinVar aggregate classification (germline): Uncertain significance (1 of 4 stars; one submission).

Conditions:
Long QT syndrome (LQTS). Identifiers: MedGen C0023976, MeSH D008133, MONDO:0002442. Disease mechanism: loss of function. Inheritance: Various modes of inheritance.

Allele frequency attached by ClinVar (database versions not stated): TOPMed below 0.00001.

Submission:

Labcorp Genetics (formerly Invitae), Labcorp
Classification: Uncertain significance for Long QT syndrome. Last evaluated: 2019-11-19. Review status: criteria provided, single submitter. Criteria: Invitae Variant Classification Sherloc (09022015). Collection method: clinical testing. Allele origin: germline.
Comment: This sequence change replaces glutamine with histidine at codon 879 of the ANK2 protein (p.Gln879His). The glutamine residue is weakly conserved and there is a small physicochemical difference between glutamine and histidine. This variant is not present in population databases (ExAC no frequency). This variant has not been reported in the literature in individuals with ANK2-related conditions. Algorithms developed to predict the effect of missense changes on protein structure and function (SIFT, PolyPhen-2, Align-GVGD) all suggest that this variant is likely to be tolerated, but these predictions have not been confirmed by published functional studies and their clinical significance is uncertain. In summary, the available evidence is currently insufficient to determine the role of this variant in disease. Therefore, it has been classified as a Variant of Uncertain Significance.

NM_001148.6(ANK2):c.2637G>C (p.Gln879His)

Gene: ANK2 (ankyrin 2; plus strand). Cytogenetic location: 4q26.
Variant type: single nucleotide variant.
Coding change: c.2637G>C on transcript NM_001148.6 (MANE Select); coding-DNA position 2637, G replaced by C.
Protein change: p.Gln879His; replaces glutamine 879 with histidine.
Molecular consequence: missense variant.
Genome position (GRCh38, 1-based): chr4:113,311,343, G>C. VCF-style: chr4-113311343-G-C. GRCh37 (hg19) VCF-style: chr4-114232499-G-C.
Other names: c.2574G>C, p.Gln858His (NM_001127493.3, NM_001354239.2, NM_001354243.2 and 10 more transcripts); c.2637G>C, p.Gln879His (NM_001354225.2, NM_001354228.2, NM_001354232.2 and 6 more transcripts); c.2682G>C, p.Gln894His (NM_001354230.2, NM_001354231.2, NM_001354237.2 and 5 more transcripts); c.2538G>C, p.Gln846His (NM_001354245.2, NM_001354268.2); c.2550G>C, p.Gln850His (NM_001354249.2, NM_001354266.2, NM_001354267.2 and 10 more transcripts); c.2475G>C, p.Gln825His (NM_001354253.2, NM_001354270.2, NM_001354257.2 and 1 more transcripts); c.2427G>C, p.Gln809His (NM_001354269.3); c.2451G>C, p.Gln817His (NM_001354271.2, NM_001386151.1, NM_001354260.2); and 9 more; short protein forms Q784H, Q817H, Q879H, Q850H, Q825H, Q858H, Q865H, Q88H.
Identifiers: ClinVar variation 848023 (VCV000848023.6), dbSNP rs1431478981, ClinGen allele CA357927268.
Genomic context (GRCh38, chr4:113,311,343, plus strand): 5'-AGAATACCTTAGGCCTGAGGACCTAAAAGAACTGGGTGATGACTCACTACCCAGCAGTCA[G>C]TTCCTGGATGGTATGAATTACCTGCGATACAGCTTGGAGGGAGGACGATCTGACAGGTAT-3'
Protein context (NP_001139.3, residues 869-889): ELGDDSLPSS[Gln879His]FLDGMNYLRY